The following is an entry in ClinVar:

ClinVar aggregate classification (germline): Uncertain significance (1 of 4 stars; one submission).

Conditions:
Dilated cardiomyopathy 1G (CMD1G). Identifiers: Orphanet 154, MedGen C1858763, MONDO:0011400, OMIM 604145.
Autosomal recessive limb-girdle muscular dystrophy type 2J (LGMDR10). Also called: Limb-girdle muscular dystrophy, type 2J; MUSCULAR DYSTROPHY, LIMB-GIRDLE, AUTOSOMAL RECESSIVE 10. Identifiers: Orphanet 140922, MedGen C1837342, MONDO:0012127, OMIM 608807.

Submission:

Labcorp Genetics (formerly Invitae), Labcorp
Classification: Uncertain significance for Dilated cardiomyopathy 1G; Autosomal recessive limb-girdle muscular dystrophy type 2J. Last evaluated: 2025-01-12. Review status: criteria provided, single submitter. Criteria: Invitae Variant Classification Sherloc (09022015). Collection method: clinical testing. Allele origin: germline.
Comment: This sequence change replaces isoleucine, which is neutral and non-polar, with valine, which is neutral and non-polar, at codon 35685 of the TTN protein (p.Ile35685Val). This variant is not present in population databases (gnomAD no frequency). This variant has not been reported in the literature in individuals affected with TTN-related conditions. An algorithm developed to predict the effect of missense changes on protein structure and function outputs the following: PolyPhen-2: "Not Available". The valine amino acid residue is found in multiple mammalian species, which suggests that this missense change does not adversely affect protein function. This variant is located in the M band of TTN (PMID: 25589632). Non-truncating variants in this region may be relevant for neuromuscular disorders, but have not been definitively shown to cause cardiomyopathy (PMID: 23975875). In summary, the available evidence is currently insufficient to determine the role of this variant in disease. Therefore, it has been classified as a Variant of Uncertain Significance.

Literature cited by the submitters: PubMed 25589632; PubMed 23975875.

NM_001267550.2(TTN):c.107053A>G (p.Ile35685Val)

Genes: TTN (titin; minus strand), TTN-AS1 (TTN antisense RNA 1; plus strand). Cytogenetic location: 2q31.2.
Variant type: single nucleotide variant.
Coding change: c.107053A>G on transcript NM_001267550.2 (MANE Select); coding-DNA position 107053, A replaced by G.
Protein change: p.Ile35685Val; replaces isoleucine 35685 with valine.
Molecular consequence: missense variant.
Genome position (GRCh38, 1-based): chr2:178,528,698, T>C on the plus strand (A>G on the coding strand, the complement: TTN is on the minus strand). VCF-style: chr2-178528698-T-C. GRCh37 (hg19) VCF-style: chr2-179393425-T-C.
Other names: c.102130A>G, p.Ile34044Val (NM_001256850.1); c.79858A>G, p.Ile26620Val (NM_003319.4); c.99349A>G, p.Ile33117Val (NM_133378.4); c.80233A>G, p.Ile26745Val (NM_133432.3); c.80434A>G, p.Ile26812Val (NM_133437.4); short protein forms I26620V, I26745V, I26812V, I33117V, I34044V, I35685V.
Identifiers: ClinVar variation 3760299 (VCV003760299.2).
Genomic context (GRCh38, chr2:178,528,698, plus strand): 5'-TGAAGGCTGGAGCATCTGAGAGTTCTTTGCTCAGTGTCAAATCATACTGACACTTGACGA[T>C]TCCTTCCTTGGTTTTGCTTATGCAGGTGAGGATTCCTTCATCTCTGTGACTGGCTTGCTT-3'
Protein context (NP_001254479.2, residues 35675-35695): LTCISKTKEG[Ile35685Val]VKCQYDLTLS